The following is an entry in ClinVar:

ClinVar aggregate classification (germline): Uncertain significance (1 of 4 stars; one submission).

Submission:

Labcorp Genetics (formerly Invitae), Labcorp
Classification: Uncertain significance. Last evaluated: 2024-10-07. Review status: criteria provided, single submitter. Criteria: Invitae Variant Classification Sherloc (09022015). Collection method: clinical testing. Allele origin: germline.
Comment: This sequence change replaces leucine, which is neutral and non-polar, with arginine, which is basic and polar, at codon 384 of the IMPG1 protein (p.Leu384Arg). This variant is not present in population databases (gnomAD no frequency). This variant has not been reported in the literature in individuals affected with IMPG1-related conditions. An algorithm developed to predict the effect of missense changes on protein structure and function (PolyPhen-2) suggests that this variant is likely to be tolerated. In summary, the available evidence is currently insufficient to determine the role of this variant in disease. Therefore, it has been classified as a Variant of Uncertain Significance.

NM_001563.4(IMPG1):c.1151T>G (p.Leu384Arg)

Gene: IMPG1 (interphotoreceptor matrix proteoglycan 1; minus strand). Cytogenetic location: 6q14.1.
Variant type: single nucleotide variant.
Coding change: c.1151T>G on transcript NM_001563.4 (MANE Select); coding-DNA position 1151, T replaced by G.
Protein change: p.Leu384Arg; replaces leucine 384 with arginine.
Molecular consequence: missense variant.
Genome position (GRCh38, 1-based): chr6:76,003,935, A>C on the plus strand (T>G on the coding strand, the complement: IMPG1 is on the minus strand). VCF-style: chr6-76003935-A-C. GRCh37 (hg19) VCF-style: chr6-76713652-A-C.
Other names: c.917T>G, p.Leu306Arg (NM_001282368.2); short protein forms L384R, L306R.
Identifiers: ClinVar variation 3722404 (VCV003722404.2).